The following is an entry in ClinVar:

ClinVar aggregate classification (germline): Pathogenic (1 of 4 stars; one submission).

Submission:

Labcorp Genetics (formerly Invitae), Labcorp
Classification: Pathogenic. Last evaluated: 2022-08-11. Review status: criteria provided, single submitter. Criteria: Invitae Variant Classification Sherloc (09022015). Collection method: clinical testing. Allele origin: germline.
Comment: For these reasons, this variant has been classified as Pathogenic. Algorithms developed to predict the effect of sequence changes on RNA splicing suggest that this variant may disrupt the consensus splice site. This variant has not been reported in the literature in individuals affected with EMC1-related conditions. This variant is not present in population databases (gnomAD no frequency). This sequence change creates a premature translational stop signal (p.Val458Glyfs*51) in the EMC1 gene. It is expected to result in an absent or disrupted protein product. Loss-of-function variants in EMC1 are known to be pathogenic (PMID: 26572623, 26942288, 29271071).

Literature cited by the submitters: PubMed 26572623; PubMed 26942288; PubMed 29271071.

NM_015047.3(EMC1):c.1372dup (p.Val458fs)

Genes: EMC1-AS1 (EMC1 antisense RNA 1; plus strand), EMC1 (ER membrane protein complex subunit 1; minus strand). Cytogenetic location: 1p36.13.
Variant type: Duplication.
Coding change: c.1372dup on transcript NM_015047.3 (MANE Select); coding-DNA position 1372, one base duplicated (G; older notation c.1372dupG).
Protein change: p.Val458fs; shifts the reading frame from valine 458.
Molecular consequence: frameshift variant.
Genome position (GRCh38, 1-based): chr1:19,235,190, C duplicated on the plus strand (G on the coding strand, the reverse complement: EMC1 is on the minus strand); the first of 2 consecutive C bases (chr1:19,235,190-19,235,191); duplicating either gives the same sequence. VCF-style (leftmost placement, unchanged base first): chr1-19235189-A-AC. GRCh37 (hg19) VCF-style: chr1-19561683-A-AC.
Other names: c.1369dup, p.Val457fs (NM_001271427.2, NM_001271428.2, NM_001375821.1); c.1306dup, p.Val436fs (NM_001271429.2); c.1372dup, p.Val458fs (NM_001375820.1); short protein forms V457fs, V436fs, V458fs.
Identifiers: ClinVar variation 2135959 (VCV002135959.4), dbSNP rs2536746674, ClinGen allele CA2574244162.